The following is an entry in ClinVar:

ClinVar aggregate classification (germline): Uncertain significance (1 of 4 stars; one submission).

Conditions:
Parathyroid carcinoma (PRTC). Also called: CDC73-Related Parathyroid Carcinoma; Parathyroid gland carcinoma. Identifiers: Orphanet 143, MedGen C0687150, MONDO:0012004, OMIM 608266, HP:0006780.

Submission:

Labcorp Genetics (formerly Invitae), Labcorp
Classification: Uncertain significance for Parathyroid carcinoma. Last evaluated: 2024-12-18. Review status: criteria provided, single submitter. Criteria: Invitae Variant Classification Sherloc (09022015). Collection method: clinical testing. Allele origin: germline.
Comment: This sequence change replaces proline, which is neutral and non-polar, with serine, which is neutral and polar, at codon 436 of the CDC73 protein (p.Pro436Ser). This variant is not present in population databases (gnomAD no frequency). This variant has not been reported in the literature in individuals affected with CDC73-related conditions. Invitae Evidence Modeling of protein sequence and biophysical properties (such as structural, functional, and spatial information, amino acid conservation, physicochemical variation, residue mobility, and thermodynamic stability) indicates that this missense variant is not expected to disrupt CDC73 protein function with a negative predictive value of 80%. In summary, the available evidence is currently insufficient to determine the role of this variant in disease. Therefore, it has been classified as a Variant of Uncertain Significance.

NM_024529.5(CDC73):c.1306C>T (p.Pro436Ser)

Gene: CDC73 (cell division cycle 73; plus strand). Cytogenetic location: 1q31.2.
Variant type: single nucleotide variant.
Coding change: c.1306C>T on transcript NM_024529.5 (MANE Select); coding-DNA position 1306, C replaced by T.
Protein change: p.Pro436Ser; replaces proline 436 with serine.
Molecular consequence: missense variant.
Genome position (GRCh38, 1-based): chr1:193,233,144, C>T. VCF-style: chr1-193233144-C-T. GRCh37 (hg19) VCF-style: chr1-193202274-C-T.
Other names: short protein forms P436S.
Identifiers: ClinVar variation 3704874 (VCV003704874.2).